The following is an entry in ClinVar:

NM_000426.4(LAMA2):c.4692dup (p.Ala1565fs)

Gene: LAMA2 (laminin subunit alpha 2; plus strand). Cytogenetic location: 6q22.33.
Variant type: Duplication.
Coding change: c.4692dup on transcript NM_000426.4 (MANE Select); coding-DNA position 4692, one base duplicated (T; older notation c.4692dupT).
Protein change: p.Ala1565fs; shifts the reading frame from alanine 1565.
Molecular consequence: frameshift variant.
Genome position (GRCh38, 1-based): chr6:129,353,332, T duplicated. VCF-style (leftmost placement, unchanged base first): chr6-129353331-A-AT. GRCh37 (hg19) VCF-style: chr6-129674476-A-AT.
Other names: c.4692dup, p.Ala1565fs (NM_001079823.2); short protein forms A1565fs.
Identifiers: ClinVar variation 3241808 (VCV003241808.2), dbSNP rs2482575909.
Genomic context (GRCh38, chr6:129,353,331, plus strand): 5'-GATTCTGCACGTGCCGACCTGGAGCCACGGGAAGGAAGTGTGACGGCTGCAAGCACTGGC[A>AT]TGCACGCGAGGGCTGGGAGTGTGTTTGTACGTATACTAACTTTGCTGTTAGTTTTGGAGG-3'

ClinVar aggregate classification (germline): Pathogenic/Likely pathogenic. Review status: criteria provided, multiple submitters, no conflicts (2 of 4 stars). 2 submissions from 2 submitters: Pathogenic (1); Likely pathogenic (1). Last evaluated 2025-05-13.

Conditions:
LAMA2-related muscular dystrophy (LAMA2-RD). Also called: Laminin alpha 2-related dystrophy. Identifiers: MedGen C5679788, MONDO:0100228.
Merosin deficient congenital muscular dystrophy (MDC1A). Also called: Congenital merosin-deficient muscular dystrophy 1A; Congenital Muscular Dystrophy Type 1A (MDC1A). Identifiers: Orphanet 258, MedGen C1263858, MONDO:0011925, OMIM 607855.

Submissions (2):

Myriad Genetics, Inc.
Classification: Pathogenic for LAMA2-related muscular dystrophy. Last evaluated: 2025-05-13. Review status: criteria provided, single submitter. Criteria: Myriad Autosomal Dominant, Autosomal Recessive and X-Linked Classification Criteria (2023). Collection method: clinical testing. Allele origin: unknown.
Comment: NM_000426.3(LAMA2):c.4692dupT(A1565Cfs*13) is expected to be pathogenic in the context of muscular dystrophy, LAMA2-related. This variant is predicted to lead to an abnormal or absent protein product due to the creation of a premature termination codon in LAMA2, a gene where loss-of-function variants are known to be pathogenic. Please note: this variant was assessed in the context of healthy population screening.

Baylor Genetics
Classification: Likely pathogenic for Merosin deficient congenital muscular dystrophy. Last evaluated: 2023-12-31. Review status: criteria provided, single submitter. Criteria: ACMG Guidelines, 2015. Collection method: clinical testing. Allele origin: unknown.